The following is an entry in ClinVar:

NM_001164508.2(NEB):c.2657A>C (p.Tyr886Ser)

Gene: NEB (nebulin; minus strand). Cytogenetic location: 2q23.3.
Variant type: single nucleotide variant.
Coding change: c.2657A>C on transcript NM_001164508.2 (MANE Select); coding-DNA position 2657, A replaced by C.
Protein change: p.Tyr886Ser; replaces tyrosine 886 with serine.
Molecular consequence: missense variant.
Genome position (GRCh38, 1-based): chr2:151,684,956, T>G on the plus strand (A>C on the coding strand, the complement: NEB is on the minus strand). VCF-style: chr2-151684956-T-G. GRCh37 (hg19) VCF-style: chr2-152541470-T-G.
Other names: c.2657A>C, p.Tyr886Ser (NM_001164507.2, NM_001271208.2, NM_004543.5); short protein forms Y886S.
Identifiers: ClinVar variation 1326130 (VCV001326130.7), dbSNP rs371105660, ClinGen allele CA1911152.
Genomic context (GRCh38, chr2:151,684,956, plus strand): 5'-TTAGCTTGAGTGACTTGGAGCATATCAAGAGGTGCCGTGTAGATAGTTTTTGACTTTTCA[T>G]AATCTTTTCGATATTCGCGCTGTGAATAGGAAATTATCATTTATTATCACAAATCCTCGA-3'
Protein context (NP_001157980.2, residues 876-896): NQSDREYRKD[Tyr886Ser]EKSKTIYTAP

ClinVar aggregate classification (germline): Conflicting classifications of pathogenicity. Review status: criteria provided, conflicting classifications (1 of 4 stars). 2 submissions from 2 submitters: Uncertain significance (1); Likely benign (1). Last evaluated 2025-09-09.

Conditions:
Nemaline myopathy 2 (NEM2). Also called: Nemaline myopathy 2, autosomal recessive. Identifiers: MedGen C1850569, MONDO:0009725, OMIM 256030.

Allele frequency attached by ClinVar (database versions not stated): ExAC 0.00005; ESP Exome Variant Server 0.00008; TOPMed 0.00003; gnomAD exomes 0.00003; gnomAD 0.00004 and 0.00003.
gnomAD v4.1: 116 of 1,608,980 alleles (0.0072%); highest among the groups gnomAD compares: Non-Finnish European, 0.0096%; no homozygotes.

Submissions (2):

Labcorp Genetics (formerly Invitae), Labcorp
Classification: Likely benign for Nemaline myopathy 2. Last evaluated: 2025-09-09. Review status: criteria provided, single submitter. Criteria: Invitae Variant Classification Sherloc (09022015). Collection method: clinical testing. Allele origin: germline.

GeneDx
Classification: Uncertain significance. Last evaluated: 2025-06-11. Review status: criteria provided, single submitter. Criteria: GeneDx Variant Classification Process June 2021. Collection method: clinical testing. Allele origin: germline. Affected: yes.
Comment: Not observed at significant frequency in large population cohorts (gnomAD); In silico analysis supports that this missense variant has a deleterious effect on protein structure/function; Has not been previously published as pathogenic or benign to our knowledge